The following is an entry in ClinVar:

NM_017775.4(TTC19):c.1063A>G (p.Ile355Val)

Gene: TTC19 (tetratricopeptide repeat domain 19; plus strand). Cytogenetic location: 17p12.
Variant type: single nucleotide variant.
Coding change: c.1063A>G on transcript NM_017775.4 (MANE Select); coding-DNA position 1063, A replaced by G.
Protein change: p.Ile355Val; replaces isoleucine 355 with valine.
Molecular consequence: missense variant.
Genome position (GRCh38, 1-based): chr17:16,027,442, A>G. VCF-style: chr17-16027442-A-G. GRCh37 (hg19) VCF-style: chr17-15930756-A-G.
Other names: c.742A>G, p.Ile248Val (NM_001271420.2); c.1426A>G (NM_017775.2); short protein forms I248V, I355V.
Identifiers: ClinVar variation 889943 (VCV000889943.10), dbSNP rs372717953, ClinGen allele CA8407596.
Genomic context (GRCh38, chr17:16,027,442, plus strand): 5'-ACACAAGCAAAAGAGATCTACCAGGAAGCACTGAAGCAAGCAAAGCTGAAAAAAGATGAA[A>G]TTTCTGTACAACACATCAGGGAAGAGTTGGCTGAGCTGTCAAAGAAAAGTAGACCTTTGA-3'
Protein context (NP_060245.3, residues 345-365): LKQAKLKKDE[Ile355Val]SVQHIREELA

ClinVar aggregate classification (germline): Conflicting classifications of pathogenicity. Review status: criteria provided, conflicting classifications (1 of 4 stars). 3 submissions from 3 submitters: Uncertain significance (2); Likely benign (1). Last evaluated 2022-08-05.

Conditions:
Inborn genetic diseases. Identifiers: MedGen C0950123, MeSH D030342.
Mitochondrial complex III deficiency nuclear type 2. Identifiers: MedGen C3554605, MONDO:0014063, OMIM 615157.

Allele frequency attached by ClinVar (database versions not stated): gnomAD 0.00005; gnomAD exomes 0.00005 and 0.00009; TOPMed 0.00006; ExAC 0.00007; ESP Exome Variant Server 0.00008.
gnomAD v4.1: 77 of 1,614,038 alleles (0.0048%); highest among the groups gnomAD compares: African/African-American, 0.0027%; no homozygotes.

Submissions (3):

Ambry Genetics
Classification: Likely benign for Inborn genetic diseases. Last evaluated: 2022-08-05. Review status: criteria provided, single submitter. Criteria: Ambry Variant Classification Scheme 2023. Collection method: clinical testing. Allele origin: germline.

Labcorp Genetics (formerly Invitae), Labcorp
Classification: Uncertain significance. Last evaluated: 2022-05-16. Review status: criteria provided, single submitter. Criteria: Invitae Variant Classification Sherloc (09022015). Collection method: clinical testing. Allele origin: germline.
Comment: This sequence change replaces isoleucine, which is neutral and non-polar, with valine, which is neutral and non-polar, at codon 355 of the TTC19 protein (p.Ile355Val). This variant is present in population databases (rs372717953, gnomAD 0.2%). This variant has not been reported in the literature in individuals affected with TTC19-related conditions. ClinVar contains an entry for this variant (Variation ID: 889943). Algorithms developed to predict the effect of missense changes on protein structure and function output the following: SIFT: "Tolerated"; PolyPhen-2: "Benign"; Align-GVGD: "Class C0". The valine amino acid residue is found in multiple mammalian species, which suggests that this missense change does not adversely affect protein function. In summary, the available evidence is currently insufficient to determine the role of this variant in disease. Therefore, it has been classified as a Variant of Uncertain Significance.

Illumina Laboratory Services, Illumina
Classification: Uncertain significance for Mitochondrial complex III deficiency nuclear type 2. Last evaluated: 2018-01-13. Review status: criteria provided, single submitter. Criteria: ICSL Variant Classification Criteria 13 December 2019. Collection method: clinical testing. Allele origin: germline.